The following is an entry in ClinVar:

NM_002838.5(PTPRC):c.3646-5A>G

Gene: PTPRC (protein tyrosine phosphatase receptor type C; plus strand). Cytogenetic location: 1q32.1.
Variant type: single nucleotide variant.
Coding change: c.3646-5A>G on transcript NM_002838.5 (MANE Select); 5 bases into the intron before coding-DNA position 3646, A replaced by G.
Molecular consequence: intron variant.
Genome position (GRCh38, 1-based): chr1:198,755,901, A>G. VCF-style: chr1-198755901-A-G. GRCh37 (hg19) VCF-style: chr1-198725030-A-G.
Other names: c.3163-5A>G (NM_080921.4).
Identifiers: ClinVar variation 1007686 (VCV001007686.9), dbSNP rs1177239218, ClinGen allele CA528535540.
Genomic context (GRCh38, chr1:198,755,901, plus strand): 5'-CATCTGGCATAAAAATAATGACATCAACTTTCTTCATGTAATTTCCCACTTAATTCCTTT[A>G]CTAGGAGCAATATCAATTCCTATATGACGTCATTGCCAGCACCTACCCTGCTCAGAATGG-3'

ClinVar aggregate classification (germline): Likely benign (1 of 4 stars; one submission).

Conditions:
Immunodeficiency 104. Also called: SCID, AUTOSOMAL RECESSIVE, T CELL-NEGATIVE, B CELL-POSITIVE, NK CELL-POSITIVE; Severe combined immunodeficiency, autosomal recessive, T cell-negative, B cell-positive, NK cell-positive; Severe Combined Immune Deficiency, Autosomal Recessive, TCell -Negative, B Cell-Positive, NK Cell-Positive, IL7R-Related; IMMUNODEFICIENCY 104, SEVERE COMBINED. Identifiers: MedGen C5676890, MONDO:0012163, OMIM 608971.

Allele frequency attached by ClinVar (database versions not stated): gnomAD exomes below 0.00001; gnomAD 0.00001; TOPMed 0.00001.
gnomAD v4.1: 10 of 1,606,704 alleles (0.00062%); highest among the groups gnomAD compares: Admixed American, 0.0033%; no homozygotes.

Submission:

Labcorp Genetics (formerly Invitae), Labcorp
Classification: Likely benign for Immunodeficiency 104. Last evaluated: 2026-01-26. Review status: criteria provided, single submitter. Criteria: Invitae Variant Classification Sherloc (09022015). Collection method: clinical testing. Allele origin: germline.